The following is an entry in ClinVar:

NM_004168.4(SDHA):c.1776T>G (p.His592Gln)

Gene: SDHA (succinate dehydrogenase complex flavoprotein subunit A; plus strand). Cytogenetic location: 5p15.33.
Variant type: single nucleotide variant.
Coding change: c.1776T>G on transcript NM_004168.4 (MANE Select); coding-DNA position 1776, T replaced by G.
Protein change: p.His592Gln; replaces histidine 592 with glutamine.
Molecular consequence: missense variant. On other transcripts: intron variant (1).
Genome position (GRCh38, 1-based): chr5:251,450, T>G. VCF-style: chr5-251450-T-G. GRCh37 (hg19) VCF-style: chr5-251565-T-G.
Other names: c.1776T>G (NM_004168.2); c.1632T>G, p.His544Gln (NM_001294332.2); c.1552-2943T>G (NM_001330758.2); short protein forms H592Q, H544Q.
Identifiers: ClinVar variation 577197 (VCV000577197.10), dbSNP rs1126538, ClinGen allele CA359000394.
Genomic context (GRCh38, chr5:251,450, plus strand): 5'-GCTGTGTGCGCTGCAGACCATCTACGGAGCAGAGGCACGGAAGGAGTCACGGGGCGCGCA[T>G]GCCAGGGAAGACTACAAGGTGGGCCTTCTCACCACGCCCACCTGCACCTGCCTTTTCCTG-3'
Protein context (NP_004159.2, residues 582-602): AEARKESRGA[His592Gln]AREDYKVRID

ClinVar aggregate classification (germline): Uncertain significance. Review status: criteria provided, multiple submitters, no conflicts (2 of 4 stars). 2 submissions from 2 submitters: Uncertain significance (2). Last evaluated 2025-02-11.

Conditions:
Hereditary cancer-predisposing syndrome. Also called: Neoplastic Syndromes, Hereditary; Tumor predisposition; Hereditary neoplastic syndrome; Hereditary Cancer Syndrome. Identifiers: Orphanet 140162, MedGen C0027672, MeSH D009386, MONDO:0015356.
Mitochondrial complex II deficiency, nuclear type 1. Also called: SUCCINATE CoQ REDUCTASE DEFICIENCY. Identifiers: Orphanet 3208, MedGen C5700310, MONDO:0100294, OMIM 252011.
Pheochromocytoma/paraganglioma syndrome 5. Also called: Paragangliomas 5; SDHA-Related Hereditary Paraganglioma-Pheochromocytoma Syndrome. Identifiers: Orphanet 29072, MedGen C3279992, MONDO:0013602, OMIM 614165.

Submissions (2):

Ambry Genetics
Classification: Uncertain significance for Hereditary cancer-predisposing syndrome. Last evaluated: 2025-02-11. Review status: criteria provided, single submitter. Criteria: Ambry Variant Classification Scheme 2023. Collection method: clinical testing. Allele origin: germline.
Comment: The p.H592Q variant (also known as c.1776T>G), located in coding exon 13 of the SDHA gene, results from a T to G substitution at nucleotide position 1776. The histidine at codon 592 is replaced by glutamine, an amino acid with highly similar properties. This amino acid position is highly conserved in available vertebrate species. In addition, this alteration is predicted to be deleterious by in silico analysis. Based on the available evidence, the clinical significance of this variant remains unclear.

Labcorp Genetics (formerly Invitae), Labcorp
Classification: Uncertain significance for Pheochromocytoma/paraganglioma syndrome 5; Mitochondrial complex II deficiency, nuclear type 1. Last evaluated: 2018-05-22. Review status: criteria provided, single submitter. Criteria: Invitae Variant Classification Sherloc (09022015). Collection method: clinical testing. Allele origin: germline.
Comment: This sequence change replaces histidine with glutamine at codon 592 of the SDHA protein (p.His592Gln). The histidine residue is highly conserved and there is a small physicochemical difference between histidine and glutamine. This variant is not present in population databases (ExAC no frequency). This variant has not been reported in the literature in individuals with SDHA-related disease. Algorithms developed to predict the effect of missense changes on protein structure and function are either unavailable or do not agree on the potential impact of this missense change (SIFT: "Deleterious"; PolyPhen-2: "Benign"; Align-GVGD: "Class C15"). In summary, the available evidence is currently insufficient to determine the role of this variant in disease. Therefore, it has been classified as a Variant of Uncertain Significance.